The following is an entry in ClinVar:

NM_015354.3(NUP188):c.4369C>T (p.Leu1457=)

Gene: NUP188 (nucleoporin 188; plus strand). Cytogenetic location: 9q34.11.
Variant type: single nucleotide variant.
Coding change: c.4369C>T on transcript NM_015354.3 (MANE Select); coding-DNA position 4369, C replaced by T.
Protein change: p.Leu1457=; no amino-acid change (leucine 1457 retained).
Molecular consequence: synonymous variant.
Genome position (GRCh38, 1-based): chr9:129,003,389, C>T. VCF-style: chr9-129003389-C-T. GRCh37 (hg19) VCF-style: chr9-131765668-C-T.
Identifiers: ClinVar variation 3045199 (VCV003045199.2), dbSNP rs763163159, ClinGen allele CA5273297.
Genomic context (GRCh38, chr9:129,003,389, plus strand): 5'-GTGAGGACAGTGCAGAGTCTGGCCTGCCTGGAGGAGGCGGACCACACCGTGGGTTTTATT[C>T]TGCAGCTCTCTAACTTCATGAAGGAGTGGCACTTCCACCTGCCTCAGCTCATGCGTGATA-3'
Protein context (NP_056169.1, residues 1447-1467): EEADHTVGFI[Leu1457=]QLSNFMKEWH

ClinVar aggregate classification (germline): Likely benign (0 of 4 stars; one submission).

Conditions:
NUP188-related disorder. Also called: NUP188-related condition.

Allele frequency attached by ClinVar (database versions not stated): ExAC 0.00001; gnomAD exomes 0.00001; gnomAD 0.00012; TOPMed 0.00034.
gnomAD v4.1: 41 of 1,613,374 alleles (0.0025%); highest among the groups gnomAD compares: Admixed American, 0.05%; no homozygotes.

Submission:

PreventionGenetics, part of Exact Sciences
Classification: Likely benign for NUP188-related condition. Last evaluated: 2019-10-30. Review status: no assertion criteria provided. Collection method: clinical testing. Allele origin: germline.
Comment: This variant is classified as likely benign based on ACMG/AMP sequence variant interpretation guidelines (Richards et al. 2015 PMID: 25741868, with internal and published modifications).